The following is an entry in ClinVar:

ClinVar aggregate classification (germline): Likely pathogenic (1 of 4 stars; one submission).

Conditions:
Androgen resistance syndrome (AIS). Also called: ANDROGEN RECEPTOR DEFICIENCY; DIHYDROTESTOSTERONE RECEPTOR DEFICIENCY; TESTICULAR FEMINIZATION SYNDROME; DHTR DEFICIENCY; Androgen insensitivity syndrome; Androgen insensitivity. Identifiers: Orphanet 754, Orphanet 99429, MedGen C0039585, MONDO:0019154, OMIM 300068. Disease mechanism: loss of function.

Submission:

Variantyx, Inc.
Classification: Likely pathogenic for Androgen resistance syndrome. Last evaluated: 2025-06-03. Review status: criteria provided, single submitter. Criteria: Variantyx Assertion Criteria 2022. Collection method: clinical testing. Allele origin: maternal. Inheritance: X-linked recessive inheritance.
Comment: This is a nonsynonymous variant in the AR gene (OMIM: 313700). Pathogenic variants in this gene have been associated with X-linked androgen insensitivity. This variant has been reported in at least 1 affected individual (PMID: 8339746) (PS4). This variant lies within a well-established critical functional domain of the AR protein (PMID: 1430233, 31499074) (PM1), and multiple computational algorithms predict a deleterious effect (REVEL score: 0.962) (PP3). This variant is absent from control populations (PM2). Based on the current evidence, this variant is classified as likely pathogenic for X-linked androgen insensitivity.

Literature cited by the submitters: PubMed 8339746; PubMed 1430233; PubMed 31499074.

NM_000044.6(AR):c.2591T>G (p.Leu864Arg)

Gene: AR (androgen receptor; plus strand). Cytogenetic location: Xq12.
Variant type: single nucleotide variant.
Coding change: c.2591T>G on transcript NM_000044.6 (MANE Select); coding-DNA position 2591, T replaced by G.
Protein change: p.Leu864Arg; replaces leucine 864 with arginine.
Molecular consequence: missense variant.
Genome position (GRCh38, 1-based): chrX:67,722,968, T>G. VCF-style: chrX-67722968-T-G. GRCh37 (hg19) VCF-style: chrX-66942810-T-G.
Other names: c.995T>G, p.Leu332Arg (NM_001011645.3); short protein forms L864R, L332R.
Identifiers: ClinVar variation 4795917 (VCV004795917.1).
Genomic context (GRCh38, chrX:67,722,968, plus strand): 5'-CATGCAAAAGAAAAAATCCCACATCCTGCTCAAGACGCTTCTACCAGCTCACCAAGCTCC[T>G]GGACTCCGTGCAGCCTGTAAGCAAACGATGGAGGGTGCTTTATCAGGGAGAACAGCCTGA-3'
Protein context (NP_000035.2, residues 854-874): SRRFYQLTKL[Leu864Arg]DSVQPIAREL